The following is an entry in ClinVar:

ClinVar aggregate classification (germline): Uncertain significance (1 of 4 stars; one submission).

Conditions:
Charcot-Marie-Tooth disease axonal type 2C (HMSN2C). Also called: Charcot-Marie-Tooth Disease Type 2, TRPV4-Related (CMT2C); CHARCOT-MARIE-TOOTH DISEASE, AXONAL, AUTOSOMAL DOMINANT, TYPE 2C; Charcot-Marie-Tooth Neuropathy Type 2C. Identifiers: Orphanet 99937, MedGen C1853710, MONDO:0011633, OMIM 606071.

gnomAD v4.1: 2 of 1,614,068 alleles (0.00012%); highest among the groups gnomAD compares: Non-Finnish European, 0.00017%; no homozygotes.

Submission:

Labcorp Genetics (formerly Invitae), Labcorp
Classification: Uncertain significance for Charcot-Marie-Tooth disease axonal type 2C. Last evaluated: 2020-04-28. Review status: criteria provided, single submitter. Criteria: Invitae Variant Classification Sherloc (09022015). Collection method: clinical testing. Allele origin: germline.
Comment: This sequence change replaces leucine with phenylalanine at codon 543 of the TRPV4 protein (p.Leu543Phe). The leucine residue is moderately conserved and there is a small physicochemical difference between leucine and phenylalanine. This variant is not present in population databases (ExAC no frequency). This variant has not been reported in the literature in individuals with TRPV4-related disease. Algorithms developed to predict the effect of missense changes on protein structure and function (SIFT, PolyPhen-2, Align-GVGD) all suggest that this variant is likely to be tolerated, but these predictions have not been confirmed by published functional studies and their clinical significance is uncertain. In summary, the available evidence is currently insufficient to determine the role of this variant in disease. Therefore, it has been classified as a Variant of Uncertain Significance.

NM_021625.5(TRPV4):c.1627C>T (p.Leu543Phe)

Gene: TRPV4 (transient receptor potential cation channel subfamily V member 4; minus strand). Cytogenetic location: 12q24.11.
Variant type: single nucleotide variant.
Coding change: c.1627C>T on transcript NM_021625.5 (MANE Select); coding-DNA position 1627, C replaced by T.
Protein change: p.Leu543Phe; replaces leucine 543 with phenylalanine.
Molecular consequence: missense variant.
Genome position (GRCh38, 1-based): chr12:109,793,558, G>A on the plus strand (C>T on the coding strand, the complement: TRPV4 is on the minus strand). VCF-style: chr12-109793558-G-A. GRCh37 (hg19) VCF-style: chr12-110231363-G-A.
Other names: c.1486C>T, p.Leu496Phe (NM_001177428.2); c.1525C>T, p.Leu509Phe (NM_001177431.2); c.1306C>T, p.Leu436Phe (NM_001177433.2); c.1447C>T, p.Leu483Phe (NM_147204.3); short protein forms L543F, L483F, L496F, L436F, L509F.
Identifiers: ClinVar variation 241384 (VCV000241384.8), dbSNP rs779325064, ClinGen allele CA10582958.